The following is an entry in ClinVar:

NM_001243279.3(ACSF3):c.83G>A (p.Gly28Glu)

Gene: ACSF3 (acyl-CoA synthetase family member 3; plus strand). Cytogenetic location: 16q24.3.
Variant type: single nucleotide variant.
Coding change: c.83G>A on transcript NM_001243279.3 (MANE Select); coding-DNA position 83, G replaced by A.
Protein change: p.Gly28Glu; replaces glycine 28 with glutamic acid.
Molecular consequence: missense variant. On other transcripts: non-coding transcript variant (3), intron variant (1).
Genome position (GRCh38, 1-based): chr16:89,100,764, G>A. VCF-style: chr16-89100764-G-A. GRCh37 (hg19) VCF-style: chr16-89167172-G-A.
Other names: c.83G>A, p.Gly28Glu (NM_001127214.4, NM_174917.5); c.-129-1840G>A (NM_001284316.2); short protein forms G28E.
Identifiers: ClinVar variation 3242005 (VCV003242005.1), dbSNP rs764393364.

ClinVar aggregate classification (germline): Uncertain significance (1 of 4 stars; one submission).

Conditions:
Combined malonic and methylmalonic acidemia. Identifiers: Orphanet 289504, MedGen C3280314, MONDO:0013661, OMIM 614265.

Allele frequency attached by ClinVar (database versions not stated): gnomAD exomes below 0.00001; gnomAD 0.00001; ExAC 0.00002.
gnomAD v4.1: 7 of 1,609,202 alleles (0.00043%); highest among the groups gnomAD compares: Admixed American, 0.0033%; no homozygotes.

Submission:

Neuberg Centre For Genomic Medicine, NCGM
Classification: Uncertain significance for Combined malonic and methylmalonic acidemia. Review status: criteria provided, single submitter. Criteria: ACMG Guidelines, 2015. Collection method: clinical testing. Allele origin: germline. Inheritance: Autosomal recessive inheritance. Affected: yes.
Comment: The missense variant c.83G>A(p.Gly28Glu) in ACSF3 gene has not been reported previously as a pathogenic variant nor as a benign variant, to our knowledge. The observed variant has been reported with allele frequency of 0.002% in gnomAD exomes database. This variant has not been submitted to the ClinVar database. The amino acid change p.Gly28Glu in ACSF3 is predicted as conserved by PhyloP across 100 vertebrates. The amino acid Gly at position 28 is changed to a Glu changing protein sequence and it might alter its composition and physico-chemical properties. For these reasons, this variant has been classified as Uncertain Significance (VUS).